The following is an entry in ClinVar:

NM_153026.3(PRICKLE1):c.1613A>G (p.Asp538Gly)

Gene: PRICKLE1 (prickle planar cell polarity protein 1; minus strand). Cytogenetic location: 12q12.
Variant type: single nucleotide variant.
Coding change: c.1613A>G on transcript NM_153026.3 (MANE Select); coding-DNA position 1613, A replaced by G.
Protein change: p.Asp538Gly; replaces aspartic acid 538 with glycine.
Molecular consequence: missense variant.
Genome position (GRCh38, 1-based): chr12:42,464,421, T>C on the plus strand (A>G on the coding strand, the complement: PRICKLE1 is on the minus strand). VCF-style: chr12-42464421-T-C. GRCh37 (hg19) VCF-style: chr12-42858223-T-C.
Other names: c.1613A>G, p.Asp538Gly (NM_001144881.2, NM_001144882.2, NM_001144883.2); short protein forms D538G.
Identifiers: ClinVar variation 2072483 (VCV002072483.4), dbSNP rs764577468, ClinGen allele CA384441299.

ClinVar aggregate classification (germline): Uncertain significance (1 of 4 stars; one submission).

Conditions:
Epilepsy, progressive myoclonic, 1B. Also called: PME. Identifiers: Orphanet 308, MedGen C2676254, MONDO:0012904, OMIM 612437.

Submission:

Labcorp Genetics (formerly Invitae), Labcorp
Classification: Uncertain significance for Epilepsy, progressive myoclonic, 1B. Last evaluated: 2022-08-09. Review status: criteria provided, single submitter. Criteria: Invitae Variant Classification Sherloc (09022015). Collection method: clinical testing. Allele origin: germline.
Comment: This sequence change replaces aspartic acid, which is acidic and polar, with glycine, which is neutral and non-polar, at codon 538 of the PRICKLE1 protein (p.Asp538Gly). This variant is not present in population databases (gnomAD no frequency). This variant has not been reported in the literature in individuals affected with PRICKLE1-related conditions. Algorithms developed to predict the effect of missense changes on protein structure and function (SIFT, PolyPhen-2, Align-GVGD) all suggest that this variant is likely to be disruptive. In summary, the available evidence is currently insufficient to determine the role of this variant in disease. Therefore, it has been classified as a Variant of Uncertain Significance.